The following is an entry in ClinVar:

ClinVar aggregate classification (germline): Benign. Review status: criteria provided, multiple submitters, no conflicts (2 of 4 stars). 10 submissions from 8 submitters: Benign (9). 1 of the submissions does not count toward it. Last evaluated 2026-01-30.

Conditions:
Retinitis pigmentosa (RP). Identifiers: Orphanet 791, MedGen C0035334, MeSH D012174, MONDO:0019200, OMIM 268000. Inheritance: Autosomal dominant, autosomal recessive and X linked inheritance.
Retinal dystrophy. Also called: Inherited retinal dystrophy. Identifiers: Orphanet 71862, MedGen C0854723, MeSH D058499, MONDO:0019118, HP:0000556.
Autosomal dominant vitreoretinochoroidopathy. Also called: VITREORETINOCHOROIDOPATHY WITH MICROCORNEA, GLAUCOMA, AND CATARACT; VITREORETINOCHOROIDOPATHY, AUTOSOMAL DOMINANT, WITH NANOPHTHALMOS; Autosomal Dominant Vitreoretinochoroidopathy (ADVIRC). Identifiers: Orphanet 263347, Orphanet 3086, MedGen C3888099, MONDO:0008662, OMIM 193220.
Vitelliform macular dystrophy 2. Also called: VITELLIFORM MACULAR DYSTROPHY, EARLY-ONSET; VITELLIFORM MACULAR DYSTROPHY, JUVENILE-ONSET; Best Macular Dystrophy; Best vitelliform macular dystrophy, multifocal; MACULAR DEGENERATION, POLYMORPHIC VITELLINE; Best Vitelliform Macular Dystrophy (BVMD). Identifiers: Orphanet 1243, MedGen C2745945, MONDO:0007931, OMIM 153700.

Allele frequency attached by ClinVar (database versions not stated): ESP Exome Variant Server 0.00854; gnomAD exomes 0.01490 and 0.03392; gnomAD 0.01850 and 0.01913; TOPMed 0.02648; ExAC 0.02805; 1000 Genomes Project 0.03095; 1000 Genomes Project 30x 0.03389.
gnomAD v4.1: 25,028 of 1,614,182 alleles (1.6%); highest among the groups gnomAD compares: Admixed American, 14%; 886 homozygotes.

Submissions (10):

Labcorp Genetics (formerly Invitae), Labcorp
Classification: Benign. Last evaluated: 2026-01-30. Review status: criteria provided, single submitter. Criteria: Invitae Variant Classification Sherloc (09022015). Collection method: clinical testing. Allele origin: germline.

ARUP Laboratories, Molecular Genetics and Genomics, ARUP Laboratories
Classification: Benign. Last evaluated: 2023-11-22. Review status: criteria provided, single submitter. Criteria: ARUP Molecular Germline Variant Investigation Process 2024. Collection method: clinical testing. Allele origin: germline.

Dept Of Ophthalmology, Nagoya University
Classification: Benign for Retinal dystrophy. Last evaluated: 2023-10-01. Review status: criteria provided, single submitter. Criteria: Submitter's publication. Collection method: research. Allele origin: germline. Affected: yes.

Illumina Laboratory Services, Illumina
Classification: Benign for Retinitis pigmentosa. Last evaluated: 2018-01-13. Review status: criteria provided, single submitter. Criteria: ICSL Variant Classification Criteria 13 December 2019. Collection method: clinical testing. Allele origin: germline.
Comment: This variant was observed in the ICSL laboratory as part of a predisposition screen in an ostensibly healthy population. It had not been previously curated by ICSL or reported in the Human Gene Mutation Database (HGMD: prior to June 1st, 2018), and was therefore a candidate for classification through an automated scoring system. Utilizing variant allele frequency, disease prevalence and penetrance estimates, and inheritance mode, an automated score was calculated to assess if this variant is too frequent to cause the disease. Based on the score and internal cut-off values, a variant classified as benign is not then subjected to further curation. The score for this variant resulted in a classification of benign for this disease.

Illumina Laboratory Services, Illumina
Classification: Benign for Autosomal dominant vitreoretinochoroidopathy. Last evaluated: 2018-01-13. Review status: criteria provided, single submitter. Criteria: ICSL Variant Classification Criteria 13 December 2019. Collection method: clinical testing. Allele origin: germline.
Comment: the same text as in the submission from Illumina Laboratory Services, Illumina above.

Illumina Laboratory Services, Illumina
Classification: Benign for Vitelliform macular dystrophy 2. Last evaluated: 2018-01-13. Review status: criteria provided, single submitter. Criteria: ICSL Variant Classification Criteria 13 December 2019. Collection method: clinical testing. Allele origin: germline.
Comment: the same text as in the submission from Illumina Laboratory Services, Illumina above.

GeneDx
Classification: Benign. Last evaluated: 2015-03-03. Review status: criteria provided, single submitter. Criteria: GeneDx Variant Classification Process June 2021. Collection method: clinical testing. Allele origin: germline. Affected: yes.

Eurofins Ntd Llc (ga)
Classification: Benign. Last evaluated: 2014-10-01. Review status: criteria provided, single submitter. Criteria: EGL Classification Definitions 2015. Collection method: clinical testing. Allele origin: germline. Observed: 1 variant allele, 1 heterozygote.

Breakthrough Genomics
Classification: Benign. Review status: criteria provided, single submitter. Criteria: ACMG Guidelines, 2015. Collection method: not provided. Allele origin: germline. Inheritance: Autosomal dominant inheritance. Affected: yes.

Retina International
No classification provided. Review status: no classification provided. Collection method: not provided. Allele origin: unknown. Not counted in ClinVar's aggregate classification.

NM_004183.4(BEST1):c.201G>C (p.Leu67=)

Gene: BEST1 (bestrophin 1; plus strand). Cytogenetic location: 11q12.3.
Variant type: single nucleotide variant.
Coding change: c.201G>C on transcript NM_004183.4 (MANE Select); coding-DNA position 201, G replaced by C.
Protein change: p.Leu67=; no amino-acid change (leucine 67 retained).
Molecular consequence: synonymous variant. On other transcripts: non-coding transcript variant (1).
Genome position (GRCh38, 1-based): chr11:61,955,155, G>C. VCF-style: chr11-61955155-G-C. GRCh37 (hg19) VCF-style: chr11-61722627-G-C.
Other names: c.21G>C, p.Leu7= (NM_001139443.3, NM_001300786.2, NM_001300787.2); c.201G>C, p.Leu67= (NM_001363592.2).
Identifiers: ClinVar variation 99691 (VCV000099691.30), dbSNP rs1801393, ClinGen allele CA202342.